The following is an entry in ClinVar:

NM_032242.4(PLXNA1):c.2025T>C (p.Phe675=)

Gene: PLXNA1 (plexin A1; plus strand). Cytogenetic location: 3q21.3.
Variant type: single nucleotide variant.
Coding change: c.2025T>C on transcript NM_032242.4 (MANE Select); coding-DNA position 2025, T replaced by C.
Protein change: p.Phe675=; no amino-acid change (phenylalanine 675 retained).
Molecular consequence: synonymous variant.
Genome position (GRCh38, 1-based): chr3:127,007,826, T>C. VCF-style: chr3-127007826-T-C. GRCh37 (hg19) VCF-style: chr3-126726669-T-C.
Other names: c.2025T>C (NM_032242.3).
Identifiers: ClinVar variation 3669285 (VCV003669285.3).

ClinVar aggregate classification (germline): Likely benign. Review status: criteria provided, multiple submitters, no conflicts (2 of 4 stars). 2 submissions from 2 submitters: Likely benign (2). Last evaluated 2025-06-08.

Conditions:
PLXNA1-related disorder. Also called: PLXNA1-related condition.

Submissions (2):

PreventionGenetics, part of Exact Sciences
Classification: Likely benign for PLXNA1-related condition. Last evaluated: 2025-06-08. Review status: criteria provided, single submitter. Criteria: ACMG Guidelines, 2015. Collection method: clinical testing. Allele origin: germline.
Comment: This variant is classified as likely benign based on ACMG/AMP sequence variant interpretation guidelines (Richards et al. 2015 PMID: 25741868, with internal and published modifications).

Labcorp Genetics (formerly Invitae), Labcorp
Classification: Likely benign. Last evaluated: 2024-06-29. Review status: criteria provided, single submitter. Criteria: Invitae Variant Classification Sherloc (09022015). Collection method: clinical testing. Allele origin: germline.